The following is an entry in ClinVar:

ClinVar aggregate classification (germline): Benign/Likely benign. Review status: criteria provided, multiple submitters, no conflicts (2 of 4 stars). 6 submissions from 6 submitters: Benign (4); Likely benign (2). Last evaluated 2026-02-01.

Conditions:
Amyotrophic lateral sclerosis type 9 (ALS9). Identifiers: Orphanet 803, MedGen C2678468, MONDO:0012753, OMIM 611895.

Allele frequency attached by ClinVar (database versions not stated): gnomAD exomes 0.00168 and 0.00412; ExAC 0.00488; gnomAD 0.01278; ESP Exome Variant Server 0.01522; 1000 Genomes Project 0.01558; TOPMed 0.01566; 1000 Genomes Project 30x 0.01671.
gnomAD v4.1: 4,780 of 1,614,146 alleles (0.3%); highest among the groups gnomAD compares: African/African-American, 4.5%; 91 homozygotes.

Submissions (6):

Labcorp Genetics (formerly Invitae), Labcorp
Classification: Benign. Last evaluated: 2026-02-01. Review status: criteria provided, single submitter. Criteria: Invitae Variant Classification Sherloc (09022015). Collection method: clinical testing. Allele origin: germline.

Mayo Clinic Laboratories, Mayo Clinic
Classification: Benign. Last evaluated: 2024-03-15. Review status: criteria provided, single submitter. Criteria: ACMG Guidelines, 2015. Collection method: clinical testing. Allele origin: germline. Observed: 7 variant alleles.
Comment: BS1, BS2, BP4, BP7

Athena Diagnostics
Classification: Benign. Last evaluated: 2023-12-13. Review status: criteria provided, single submitter. Criteria: Athena Diagnostics Criteria. Collection method: clinical testing. Allele origin: unknown.

GeneDx
Classification: Likely benign. Last evaluated: 2021-01-30. Review status: criteria provided, single submitter. Criteria: GeneDx Variant Classification Process June 2021. Collection method: clinical testing. Allele origin: germline. Affected: yes.

Illumina Laboratory Services, Illumina
Classification: Benign for Amyotrophic lateral sclerosis type 9. Last evaluated: 2018-01-13. Review status: criteria provided, single submitter. Criteria: ICSL Variant Classification Criteria 13 December 2019. Collection method: clinical testing. Allele origin: germline.
Comment: This variant was observed in the ICSL laboratory as part of a predisposition screen in an ostensibly healthy population. It had not been previously curated by ICSL or reported in the Human Gene Mutation Database (HGMD: prior to June 1st, 2018), and was therefore a candidate for classification through an automated scoring system. Utilizing variant allele frequency, disease prevalence and penetrance estimates, and inheritance mode, an automated score was calculated to assess if this variant is too frequent to cause the disease. Based on the score and internal cut-off values, a variant classified as benign is not then subjected to further curation. The score for this variant resulted in a classification of benign for this disease.

Breakthrough Genomics
Classification: Likely benign. Review status: criteria provided, single submitter. Criteria: ACMG Guidelines, 2015. Collection method: not provided. Allele origin: germline. Inheritance: Unknown mechanism. Affected: yes.

Literature cited by the submitters: PubMed 30188356 (cited by Athena Diagnostics); PubMed 33875291 (cited by Athena Diagnostics).

NM_001097577.3(ANG):c.363A>T (p.Thr121=)

Genes: EGILA (EGFR interacting lncRNA; minus strand), RNASE4 (ribonuclease A family member 4; plus strand), ANG (angiogenin; plus strand). Cytogenetic location: 14q11.2.
Variant type: single nucleotide variant.
Coding change: c.363A>T on transcript NM_001097577.3 (MANE Select); coding-DNA position 363, A replaced by T.
Protein change: p.Thr121=; no amino-acid change (threonine 121 retained).
Molecular consequence: synonymous variant. On other transcripts: intron variant (4).
Genome position (GRCh38, 1-based): chr14:20,693,927, A>T. VCF-style: chr14-20693927-A-T. GRCh37 (hg19) VCF-style: chr14-21162086-A-T.
Other names: p.Thr121=; c.363A>T, p.Thr121= (NM_001145.4, NM_001385271.1, NM_001385272.1 and 2 more transcripts); c.-18+277A>T (NM_001282192.2); c.-17-5428A>T (NM_002937.5, NM_001282193.2); c.-18+5053A>T (NM_194431.3).
Identifiers: ClinVar variation 312775 (VCV000312775.19), dbSNP rs2228653, ClinGen allele CA7083180.
Genomic context (GRCh38, chr14:20,693,927, plus strand): 5'-GGTCACCACTTGCAAGCTACATGGAGGTTCCCCCTGGCCTCCATGCCAGTACCGAGCCAC[A>T]GCGGGGTTCAGAAACGTTGTTGTTGCTTGTGAAAATGGCTTACCTGTCCACTTGGATCAG-3'
Protein context (NP_001091046.1, residues 111-131): SPWPPCQYRA[Thr121=]AGFRNVVVAC